The following is an entry in ClinVar:

NM_144999.4(LRRC45):c.1995C>T (p.Thr665=)

Gene: LRRC45 (leucine rich repeat containing 45; plus strand). Cytogenetic location: 17q25.3.
Variant type: single nucleotide variant.
Coding change: c.1995C>T on transcript NM_144999.4 (MANE Select); coding-DNA position 1995, C replaced by T.
Protein change: p.Thr665=; no amino-acid change (threonine 665 retained).
Molecular consequence: synonymous variant.
Genome position (GRCh38, 1-based): chr17:82,030,787, C>T. VCF-style: chr17-82030787-C-T. GRCh37 (hg19) VCF-style: chr17-79988663-C-T.
Identifiers: ClinVar variation 4985294 (VCV004985294.1).

ClinVar aggregate classification (germline): Likely benign (1 of 4 stars; one submission).

Conditions:
LRRC45-related disorder. Also called: LRRC45-related condition.

Submission:

PreventionGenetics, part of Exact Sciences
Classification: Likely benign for LRRC45-related condition. Last evaluated: 2025-11-04. Review status: criteria provided, single submitter. Criteria: ACMG Guidelines, 2015. Collection method: clinical testing. Allele origin: germline.
Comment: This variant is classified as likely benign based on ACMG/AMP sequence variant interpretation guidelines (Richards et al. 2015 PMID: 25741868, with internal and published modifications).